The following is an entry in ClinVar:

ClinVar aggregate classification (germline): Uncertain significance. Review status: criteria provided, multiple submitters, no conflicts (2 of 4 stars). 2 submissions from 2 submitters: Uncertain significance (2). Last evaluated 2024-09-01.

Conditions:
Inborn genetic diseases. Identifiers: MedGen C0950123, MeSH D030342.

Allele frequency attached by ClinVar (database versions not stated): gnomAD exomes 0.00001 and 0.00002; ExAC 0.00003; TOPMed 0.00003; gnomAD 0.00005; ESP Exome Variant Server 0.00008.
gnomAD v4.1: 28 of 1,614,012 alleles (0.0017%); highest among the groups gnomAD compares: Non-Finnish European, 0.0022%; no homozygotes.

Submissions (2):

Ambry Genetics
Classification: Uncertain significance for Inborn genetic diseases. Last evaluated: 2024-09-01. Review status: criteria provided, single submitter. Criteria: Ambry Variant Classification Scheme 2023. Collection method: clinical testing. Allele origin: germline.

Labcorp Genetics (formerly Invitae), Labcorp
Classification: Uncertain significance. Last evaluated: 2022-08-19. Review status: criteria provided, single submitter. Criteria: Invitae Variant Classification Sherloc (09022015). Collection method: clinical testing. Allele origin: germline.
Comment: This sequence change replaces threonine, which is neutral and polar, with alanine, which is neutral and non-polar, at codon 2416 of the DNAH9 protein (p.Thr2416Ala). This variant is present in population databases (rs376121008, gnomAD 0.006%). This variant has not been reported in the literature in individuals affected with DNAH9-related conditions. ClinVar contains an entry for this variant (Variation ID: 1500487). Algorithms developed to predict the effect of missense changes on protein structure and function are either unavailable or do not agree on the potential impact of this missense change (SIFT: "Deleterious"; PolyPhen-2: "Possibly Damaging"; Align-GVGD: "Class C0"). In summary, the available evidence is currently insufficient to determine the role of this variant in disease. Therefore, it has been classified as a Variant of Uncertain Significance.

NM_001372.4(DNAH9):c.7246A>G (p.Thr2416Ala)

Gene: DNAH9 (dynein axonemal heavy chain 9; plus strand). Cytogenetic location: 17p12.
Variant type: single nucleotide variant.
Coding change: c.7246A>G on transcript NM_001372.4 (MANE Select); coding-DNA position 7246, A replaced by G.
Protein change: p.Thr2416Ala; replaces threonine 2416 with alanine.
Molecular consequence: missense variant.
Genome position (GRCh38, 1-based): chr17:11,768,528, A>G. VCF-style: chr17-11768528-A-G. GRCh37 (hg19) VCF-style: chr17-11671845-A-G.
Other names: c.7246A>G (NM_001372.3); short protein forms T2416A.
Identifiers: ClinVar variation 1500487 (VCV001500487.6), dbSNP rs376121008, ClinGen allele CA8396557.
Genomic context (GRCh38, chr17:11,768,528, plus strand): 5'-GCAGAGTTCAGCAAATGGTGGCTGACTGAGTTCAAAACAGTCAAGTTTCCTTCCCAAGGA[A>G]CCATCTTTGACTATTACATCGACCCAGAGACCAAGAAATTCGAGCCTTGGTCCAAGCTCG-3'
Protein context (NP_001363.2, residues 2406-2426): FKTVKFPSQG[Thr2416Ala]IFDYYIDPET